The following is an entry in ClinVar:

NM_001447.3(FAT2):c.8116G>C (p.Glu2706Gln)

Genes: FAT2 (FAT atypical cadherin 2; minus strand), SLC36A1 (solute carrier family 36 member 1; plus strand). Cytogenetic location: 5q33.1.
Variant type: single nucleotide variant.
Coding change: c.8116G>C on transcript NM_001447.3 (MANE Select); coding-DNA position 8116, G replaced by C.
Protein change: p.Glu2706Gln; replaces glutamic acid 2706 with glutamine.
Molecular consequence: missense variant.
Genome position (GRCh38, 1-based): chr5:151,543,011, C>G on the plus strand (G>C on the coding strand, the complement: FAT2 is on the minus strand). VCF-style: chr5-151543011-C-G. GRCh37 (hg19) VCF-style: chr5-150922572-C-G.
Other names: short protein forms E2706Q.
Identifiers: ClinVar variation 2077719 (VCV002077719.5), dbSNP rs536288129, ClinGen allele CA3520848.

ClinVar aggregate classification (germline): Benign/Likely benign. Review status: criteria provided, multiple submitters, no conflicts (2 of 4 stars). 2 submissions from 2 submitters: Benign (1); Likely benign (1). Last evaluated 2026-09-01.

Allele frequency attached by ClinVar (database versions not stated): gnomAD 0.00013; 1000 Genomes Project 30x 0.00078; 1000 Genomes Project 0.00080.
gnomAD v4.1: 436 of 1,614,252 alleles (0.027%); highest among the groups gnomAD compares: South Asian, 0.44%; 6 homozygotes.

Submissions (2):

CeGaT Center for Human Genetics Tuebingen
Classification: Benign. Last evaluated: 2026-09-01. Review status: criteria provided, single submitter. Criteria: CeGaT Center For Human Genetics Tuebingen Variant Classification Criteria Version 2. Collection method: clinical testing. Allele origin: germline. Affected: yes. Observed: 1 variant allele.
Comment: FAT2: BS1, BS2

Labcorp Genetics (formerly Invitae), Labcorp
Classification: Likely benign. Last evaluated: 2022-08-21. Review status: criteria provided, single submitter. Criteria: Invitae Variant Classification Sherloc (09022015). Collection method: clinical testing. Allele origin: germline.